The following is an entry in ClinVar:

ClinVar aggregate classification (germline): Uncertain significance (1 of 4 stars; one submission).

Conditions:
Dilated cardiomyopathy 1DD (CMD1DD). Identifiers: Orphanet 154, MedGen C2750995, MONDO:0013168, OMIM 613172.

Submission:

Labcorp Genetics (formerly Invitae), Labcorp
Classification: Uncertain significance for Dilated cardiomyopathy 1DD. Last evaluated: 2021-08-01. Review status: criteria provided, single submitter. Criteria: Invitae Variant Classification Sherloc (09022015). Collection method: clinical testing. Allele origin: germline.
Comment: In summary, the available evidence is currently insufficient to determine the role of this variant in disease. Therefore, it has been classified as a Variant of Uncertain Significance. This variant disrupts the p.Met905 amino acid residue in RBM20. Other variant(s) that disrupt this residue have been determined to be pathogenic (PMID: 31583969). This suggests that this residue is clinically significant, and that variants that disrupt this residue are likely to be disease-causing. Algorithms developed to predict the effect of sequence changes on RNA splicing suggest that this variant may create or strengthen a splice site. Algorithms developed to predict the effect of missense changes on protein structure and function are either unavailable or do not agree on the potential impact of this missense change (SIFT: "Deleterious"; PolyPhen-2: "Probably Damaging"; Align-GVGD: "Class C0"). This variant has not been reported in the literature in individuals affected with RBM20-related conditions. This variant is not present in population databases (ExAC no frequency). This sequence change replaces methionine with arginine at codon 905 of the RBM20 protein (p.Met905Arg). The methionine residue is highly conserved and there is a moderate physicochemical difference between methionine and arginine.

Literature cited by the submitters: PubMed 31583969.

NM_001134363.3(RBM20):c.2714T>G (p.Met905Arg)

Gene: RBM20 (RNA binding motif protein 20; plus strand). Cytogenetic location: 10q25.2.
Variant type: single nucleotide variant.
Coding change: c.2714T>G on transcript NM_001134363.3 (MANE Select); coding-DNA position 2714, T replaced by G.
Protein change: p.Met905Arg; replaces methionine 905 with arginine.
Molecular consequence: missense variant.
Genome position (GRCh38, 1-based): chr10:110,821,333, T>G. VCF-style: chr10-110821333-T-G. GRCh37 (hg19) VCF-style: chr10-112581091-T-G.
Other names: short protein forms M905R.
Identifiers: ClinVar variation 1408538 (VCV001408538.6), dbSNP rs1564664312, ClinGen allele CA378377253.
Genomic context (GRCh38, chr10:110,821,333, plus strand): 5'-AGGAACAAGATTGGGAGAGTGAAAGTGAGGCAGAGGGGGAGAGCTGGTATCCCACTAACA[T>G]GGAGGAGCTGGTGACAGTGGACGAGGTTGGGGAAGAAGAAGATTTTATCGTGGAACCAGA-3'
Protein context (NP_001127835.2, residues 895-915): AEGESWYPTN[Met905Arg]EELVTVDEVG